The following is an entry in ClinVar:

ClinVar aggregate classification (germline): Conflicting classifications of pathogenicity. Review status: criteria provided, conflicting classifications (1 of 4 stars). 2 submissions from 2 submitters: Likely pathogenic (1); Uncertain significance (1). Last evaluated 2022-08-12.

Conditions:
Intellectual disability, X-linked 102 (MRXSSB). Also called: Intellectual developmental disorder, X-linked syndromic, Snijders Blok type. Identifiers: Orphanet 457260, MedGen C5393299, MONDO:0010497, OMIM 300958.

Submissions (2):

Labcorp Genetics (formerly Invitae), Labcorp
Classification: Uncertain significance. Last evaluated: 2022-08-12. Review status: criteria provided, single submitter. Criteria: Invitae Variant Classification Sherloc (09022015). Collection method: clinical testing. Allele origin: germline.
Comment: This sequence change replaces histidine, which is basic and polar, with proline, which is neutral and non-polar, at codon 485 of the DDX3X protein (p.His485Pro). This variant is not present in population databases (gnomAD no frequency). This variant has not been reported in the literature in individuals affected with DDX3X-related conditions. ClinVar contains an entry for this variant (Variation ID: 976421). Algorithms developed to predict the effect of missense changes on protein structure and function are either unavailable or do not agree on the potential impact of this missense change (SIFT: "Tolerated"; PolyPhen-2: "Not Available"; Align-GVGD: "Class C0"). In summary, the available evidence is currently insufficient to determine the role of this variant in disease. Therefore, it has been classified as a Variant of Uncertain Significance.

Institute of Human Genetics, University of Leipzig Medical Center
Classification: Likely pathogenic for Intellectual disability, X-linked 102. Last evaluated: 2018-07-24. Review status: criteria provided, single submitter. Criteria: ACMG Guidelines, 2015. Collection method: clinical testing. Allele origin: germline. Affected: yes. Observed: 1 variant allele.

NM_001356.5(DDX3X):c.1454A>C (p.His485Pro)

Gene: DDX3X (DEAD-box helicase 3 X-linked; plus strand). Cytogenetic location: Xp11.4.
Variant type: single nucleotide variant.
Coding change: c.1454A>C on transcript NM_001356.5 (MANE Select); coding-DNA position 1454, A replaced by C.
Protein change: p.His485Pro; replaces histidine 485 with proline.
Molecular consequence: missense variant. On other transcripts: non-coding transcript variant (1).
Genome position (GRCh38, 1-based): chrX:41,346,367, A>C. VCF-style: chrX-41346367-A-C. GRCh37 (hg19) VCF-style: chrX-41205620-A-C.
Other names: c.1454A>C, p.His485Pro (NM_001193416.3); c.1406A>C, p.His469Pro (NM_001193417.3); c.896A>C, p.His299Pro (NM_001363819.1); short protein forms H299P, H469P, H485P.
Identifiers: ClinVar variation 976421 (VCV000976421.7), dbSNP rs2063923789, ClinGen allele CA412775608.
Genomic context (GRCh38, chrX:41,346,367, plus strand): 5'-GATACGCATGTACCAGCATCCATGGAGACCGTTCTCAGAGGGATAGAGAAGAGGCCCTTC[A>C]CCAGTTCCGCTCAGGAAAAAGCCCAATTTTAGTGGCTACAGCAGTATGTATAAACATCTT-3'
Protein context (NP_001347.3, residues 475-495): RSQRDREEAL[His485Pro]QFRSGKSPIL